The following is an entry in ClinVar:

ClinVar aggregate classification (germline): Uncertain significance (1 of 4 stars; one submission).

Submission:

Ambry Genetics
Classification: Uncertain significance. Last evaluated: 2021-06-28. Review status: criteria provided, single submitter. Criteria: Ambry Variant Classification Scheme 2023. Collection method: clinical testing. Allele origin: germline.
Comment: The p.C1859Y variant (also known as c.5576G>A), located in coding exon 6 of the ALPK2 gene, results from a G to A substitution at nucleotide position 5576. The cysteine at codon 1859 is replaced by tyrosine, an amino acid with highly dissimilar properties. This amino acid position is conserved. In addition, this alteration is predicted to be tolerated by in silico analysis. Since supporting evidence is limited at this time, the clinical significance of this alteration remains unclear.

NM_052947.4(ALPK2):c.5576G>A (p.Cys1859Tyr)

Gene: ALPK2 (alpha kinase 2; minus strand). Cytogenetic location: 18q21.31.
Variant type: single nucleotide variant.
Coding change: c.5576G>A on transcript NM_052947.4 (MANE Select); coding-DNA position 5576, G replaced by A.
Protein change: p.Cys1859Tyr; replaces cysteine 1859 with tyrosine.
Molecular consequence: missense variant.
Genome position (GRCh38, 1-based): chr18:58,523,988, C>T on the plus strand (G>A on the coding strand, the complement: ALPK2 is on the minus strand). VCF-style: chr18-58523988-C-T. GRCh37 (hg19) VCF-style: chr18-56191220-C-T.
Other names: short protein forms C1859Y.
Identifiers: ClinVar variation 1748391 (VCV001748391.2), dbSNP rs770387620, ClinGen allele CA402551385.